The following is an entry in ClinVar:

NM_000203.5(IDUA):c.1910C>G (p.Pro637Arg)

Gene: IDUA (alpha-L-iduronidase; plus strand). Cytogenetic location: 4p16.3.
Variant type: single nucleotide variant.
Coding change: c.1910C>G on transcript NM_000203.5 (MANE Select); coding-DNA position 1910, C replaced by G.
Protein change: p.Pro637Arg; replaces proline 637 with arginine.
Molecular consequence: missense variant. On other transcripts: non-coding transcript variant (1).
Genome position (GRCh38, 1-based): chr4:1,004,341, C>G. VCF-style: chr4-1004341-C-G. GRCh37 (hg19) VCF-style: chr4-998129-C-G.
Other names: c.1514C>G, p.Pro505Arg (NM_001363576.1); short protein forms P637R, P505R.
Identifiers: ClinVar variation 2083537 (VCV002083537.1), dbSNP rs371369206, ClinGen allele CA355966035.

ClinVar aggregate classification (germline): Uncertain significance (1 of 4 stars; one submission).

Conditions:
Mucopolysaccharidosis type 1. Also called: IDUA deficiency; MPS I. Identifiers: Orphanet 579, MedGen C0023786, MONDO:0001586.

gnomAD v4.1: 1 of 1,611,812 alleles (0.000062%); highest among the groups gnomAD compares: Non-Finnish European, 0.000085%; no homozygotes.

Submission:

Labcorp Genetics (formerly Invitae), Labcorp
Classification: Uncertain significance for Mucopolysaccharidosis type 1. Last evaluated: 2022-01-21. Review status: criteria provided, single submitter. Criteria: Invitae Variant Classification Sherloc (09022015). Collection method: clinical testing. Allele origin: germline.
Comment: This sequence change replaces proline, which is neutral and non-polar, with arginine, which is basic and polar, at codon 637 of the IDUA protein (p.Pro637Arg). This variant is not present in population databases (gnomAD no frequency). This variant has not been reported in the literature in individuals affected with IDUA-related conditions. Advanced modeling of protein sequence and biophysical properties (such as structural, functional, and spatial information, amino acid conservation, physicochemical variation, residue mobility, and thermodynamic stability) performed at Invitae indicates that this missense variant is not expected to disrupt IDUA protein function. Algorithms developed to predict the effect of sequence changes on RNA splicing suggest that this variant may create or strengthen a splice site. In summary, the available evidence is currently insufficient to determine the role of this variant in disease. Therefore, it has been classified as a Variant of Uncertain Significance.